The following is an entry in ClinVar:

ClinVar aggregate classification (germline): Pathogenic (1 of 4 stars; one submission).

Conditions:
Fanconi anemia (FA). Also called: Fanconi's anemia. Identifiers: Orphanet 84, MedGen C0015625, MeSH D005199, MONDO:0019391.

Submission:

Labcorp Genetics (formerly Invitae), Labcorp
Classification: Pathogenic for Fanconi anemia. Last evaluated: 2025-01-02. Review status: criteria provided, single submitter. Criteria: Invitae Variant Classification Sherloc (09022015). Collection method: clinical testing. Allele origin: germline.
Comment: This sequence change creates a premature translational stop signal (p.Trp1075*) in the FANCD2 gene. It is expected to result in an absent or disrupted protein product. Loss-of-function variants in FANCD2 are known to be pathogenic (PMID: 17436244). This variant is not present in population databases (gnomAD no frequency). This variant has not been reported in the literature in individuals affected with FANCD2-related conditions. For these reasons, this variant has been classified as Pathogenic.

Literature cited by the submitters: PubMed 17436244.

NM_001018115.3(FANCD2):c.3224G>A (p.Trp1075Ter)

Genes: FANCD2 (FA complementation group D2; plus strand), FANCD2OS (FANCD2 opposite strand; minus strand). Cytogenetic location: 3p25.3.
Variant type: single nucleotide variant.
Coding change: c.3224G>A on transcript NM_001018115.3 (MANE Select); coding-DNA position 3224, G replaced by A.
Protein change: p.Trp1075Ter; replaces tryptophan 1075 with a stop codon.
Molecular consequence: nonsense. On other transcripts: 3 prime UTR variant (1).
Genome position (GRCh38, 1-based): chr3:10,081,464, G>A. VCF-style: chr3-10081464-G-A. GRCh37 (hg19) VCF-style: chr3-10123148-G-A.
Other names: c.*111C>T (NM_173472.2); c.3224G>A, p.Trp1075Ter (NM_001319984.2, NM_001374254.1, NM_033084.6); c.3113G>A, p.Trp1038Ter (NM_001374253.1); short protein forms W1038*, W1075*.
Identifiers: ClinVar variation 3626605 (VCV003626605.2).